The following is an entry in ClinVar:

ClinVar aggregate classification (germline): Likely pathogenic (1 of 4 stars; one submission).

Conditions:
Troyer syndrome (SPG20). Identifiers: Orphanet 101000, MedGen C0393559, MONDO:0010156, OMIM 275900.

gnomAD v4.1: 1 of 1,614,066 alleles (0.000062%); highest among the groups gnomAD compares: Non-Finnish European, 0.000085%; no homozygotes.

Submission:

Juno Genomics, Hangzhou Juno Genomics, Inc
Classification: Likely pathogenic for Troyer syndrome. Review status: criteria provided, single submitter. Criteria: ACMG Guidelines, 2015. Collection method: clinical testing. Allele origin: germline.
Comment: Null variant in a gene where loss of function (LOF) is a known mechanism of disease.;Absent from controls (or at extremely low frequency if recessive) in Genome Aggregation Database.

NM_015087.5(SPART):c.745C>T (p.Arg249Ter)

Gene: SPART (spartin; minus strand). Cytogenetic location: 13q13.3.
Variant type: single nucleotide variant.
Coding change: c.745C>T on transcript NM_015087.5 (MANE Select); coding-DNA position 745, C replaced by T.
Protein change: p.Arg249Ter; replaces arginine 249 with a stop codon.
Molecular consequence: nonsense.
Genome position (GRCh38, 1-based): chr13:36,335,086, G>A on the plus strand (C>T on the coding strand, the complement: SPART is on the minus strand). VCF-style: chr13-36335086-G-A. GRCh37 (hg19) VCF-style: chr13-36909223-G-A.
Other names: c.745C>T, p.Arg249Ter (NM_001142294.2, NM_001142295.2, NM_001142296.2); short protein forms R249*.
Identifiers: ClinVar variation 5005250 (VCV005005250.2).